The following is an entry in ClinVar:

NM_020822.3(KCNT1):c.3036C>T (p.Ile1012=)

Gene: KCNT1 (potassium sodium-activated channel subfamily T member 1; plus strand). Cytogenetic location: 9q34.3.
Variant type: single nucleotide variant.
Coding change: c.3036C>T on transcript NM_020822.3 (MANE Select); coding-DNA position 3036, C replaced by T.
Protein change: p.Ile1012=; no amino-acid change (isoleucine 1012 retained).
Molecular consequence: synonymous variant.
Genome position (GRCh38, 1-based): chr9:135,784,769, C>T. VCF-style: chr9-135784769-C-T. GRCh37 (hg19) VCF-style: chr9-138676615-C-T.
Other names: c.2901C>T, p.Ile967= (NM_001272003.2).
Identifiers: ClinVar variation 473380 (VCV000473380.37), dbSNP rs201120894, ClinGen allele CA5327592.
Genomic context (GRCh38, chr9:135,784,769, plus strand): 5'-GGCTCTGGGTGCTGCCACCTGCCCCAGCCAACTCAGGGTTCCCACCCTGCAGATGAAAAT[C>T]ACCGAGGGCGACCTGTGGATCCGCACGTACGGCCGCCTCTTCCAGAAGCTCTGCTCCTCC-3'
Protein context (NP_065873.2, residues 1002-1022): PGSGYLCAMK[Ile1012=]TEGDLWIRTY

ClinVar aggregate classification (germline): Likely benign. Review status: criteria provided, multiple submitters, no conflicts (2 of 4 stars). 5 submissions from 4 submitters: Likely benign (5). Last evaluated 2026-05-01.

Conditions:
Developmental and epileptic encephalopathy, 14 (DEE14). Also called: Early infantile epileptic encephalopathy 14. Identifiers: Orphanet 293181, MedGen C3554195, MONDO:0013989, OMIM 614959.
Autosomal dominant nocturnal frontal lobe epilepsy 5. Also called: KCNT1-Related Epilepsy; CILIARY DYSKINESIA, PRIMARY, 28, WITHOUT SITUS INVERSUS; CILIARY DYSKINESIA, PRIMARY, 28, WITH SITUS INVERSUS; Epilepsy, nocturnal frontal lobe, 5. Identifiers: Orphanet 98784, MedGen C3554306, MONDO:0014002, OMIM 615005.

Allele frequency attached by ClinVar (database versions not stated): gnomAD exomes 0.00005 and 0.00017; gnomAD 0.00009; TOPMed 0.00009; ExAC 0.00013.
gnomAD v4.1: 98 of 1,612,480 alleles (0.0061%); highest among the groups gnomAD compares: Middle Eastern, 0.049%; no homozygotes.

Submissions (5):

CeGaT Center for Human Genetics Tuebingen
Classification: Likely benign. Last evaluated: 2026-05-01. Review status: criteria provided, single submitter. Criteria: CeGaT Center For Human Genetics Tuebingen Variant Classification Criteria Version 2. Collection method: clinical testing. Allele origin: germline. Affected: yes. Observed: 2 variant alleles.
Comment: KCNT1: BP4, BP7

Labcorp Genetics (formerly Invitae), Labcorp
Classification: Likely benign for Autosomal dominant nocturnal frontal lobe epilepsy 5; Developmental and epileptic encephalopathy, 14. Last evaluated: 2025-11-24. Review status: criteria provided, single submitter. Criteria: Invitae Variant Classification Sherloc (09022015). Collection method: clinical testing. Allele origin: germline.

Genome-Nilou Lab
Classification: Likely benign for Developmental and epileptic encephalopathy, 14. Last evaluated: 2022-03-15. Review status: criteria provided, single submitter. Criteria: ACMG Guidelines, 2015. Collection method: clinical testing. Allele origin: germline. Affected: no.

Genome-Nilou Lab
Classification: Likely benign for Autosomal dominant nocturnal frontal lobe epilepsy 5. Last evaluated: 2022-03-15. Review status: criteria provided, single submitter. Criteria: ACMG Guidelines, 2015. Collection method: clinical testing. Allele origin: germline. Affected: no.

GeneDx
Classification: Likely benign. Last evaluated: 2017-04-05. Review status: criteria provided, single submitter. Criteria: GeneDx Variant Classification (06012015). Collection method: clinical testing. Allele origin: germline. Affected: yes.
Comment: This variant is considered likely benign or benign based on one or more of the following criteria: it is a conservative change, it occurs at a poorly conserved position in the protein, it is predicted to be benign by multiple in silico algorithms, and/or has population frequency not consistent with disease.